The following is an entry in ClinVar:

ClinVar aggregate classification (germline): Likely benign (0 of 4 stars; one submission).

Conditions:
COL15A1-related disorder. Also called: COL15A1-related condition.

Allele frequency attached by ClinVar (database versions not stated): 1000 Genomes Project 0.00040; 1000 Genomes Project 30x 0.00047; TOPMed 0.00195; ExAC 0.00198; gnomAD 0.00213; gnomAD exomes 0.00244; ESP Exome Variant Server 0.00246.
gnomAD v4.1: 3,843 of 1,601,842 alleles (0.24%); highest among the groups gnomAD compares: Non-Finnish European, 0.27%; 13 homozygotes.

Submission:

PreventionGenetics, part of Exact Sciences
Classification: Likely benign for COL15A1-related condition. Last evaluated: 2019-07-25. Review status: no assertion criteria provided. Collection method: clinical testing. Allele origin: germline.
Comment: This variant is classified as likely benign based on ACMG/AMP sequence variant interpretation guidelines (Richards et al. 2015 PMID: 25741868, with internal and published modifications).

NM_001855.5(COL15A1):c.2949C>T (p.His983=)

Gene: COL15A1 (collagen type XV alpha 1 chain; plus strand). Cytogenetic location: 9q22.33.
Variant type: single nucleotide variant.
Coding change: c.2949C>T on transcript NM_001855.5 (MANE Select); coding-DNA position 2949, C replaced by T.
Protein change: p.His983=; no amino-acid change (histidine 983 retained).
Molecular consequence: synonymous variant.
Genome position (GRCh38, 1-based): chr9:99,052,432, C>T. VCF-style: chr9-99052432-C-T. GRCh37 (hg19) VCF-style: chr9-101814714-C-T.
Identifiers: ClinVar variation 3059706 (VCV003059706.2), dbSNP rs61736750, ClinGen allele CA5155669.
Genomic context (GRCh38, chr9:99,052,432, plus strand): 5'-CTTCCTCTCTTTCCAGGTTGATACTGCTCATCCTGGGAGTCCAGAGCTCATCACTTTTCA[C>T]GGTATACACTCCCTTCTTCATCATTTGTTTCTCTGGGACATCTCCTTGAGGAAGATGGTT-3'
Protein context (NP_001846.3, residues 973-993): HPGSPELITF[His983=]GVKGEKGSWG